The following is an entry in ClinVar:

ClinVar aggregate classification (germline): Uncertain significance. Review status: criteria provided, multiple submitters, no conflicts (2 of 4 stars). 3 submissions from 3 submitters: Uncertain significance (3). Last evaluated 2024-01-23.

Conditions:
Cardiovascular phenotype. Identifiers: MedGen CN230736.
Familial hypercholesterolemia. Also called: Familial hypercholesterolaemia. Identifiers: MedGen C0020445, MONDO:0005439.

Allele frequency attached by ClinVar (database versions not stated): TOPMed below 0.00001; gnomAD exomes 0.00001; ExAC 0.00003.
gnomAD v4.1: 24 of 1,614,016 alleles (0.0015%); highest among the groups gnomAD compares: Non-Finnish European, 0.0019%; no homozygotes.

Submissions (3):

Ambry Genetics
Classification: Uncertain significance for Cardiovascular phenotype. Last evaluated: 2024-01-23. Review status: criteria provided, single submitter. Criteria: Ambry Variant Classification Scheme 2023. Collection method: clinical testing. Allele origin: germline.

Color Diagnostics, LLC DBA Color Health
Classification: Uncertain significance for Familial hypercholesterolemia. Last evaluated: 2023-12-04. Review status: criteria provided, single submitter. Criteria: ACMG Guidelines, 2015. Collection method: clinical testing. Allele origin: germline.
Comment: Variant of Uncertain Significance due to insufficient evidence: This missense variant is located in the C-terminal CM3 domain of the PCSK9 protein. Computational prediction tools and conservation analyses suggest that this variant may not impact the protein function. Computational splicing tools suggest that this variant may not impact RNA splicing. To our knowledge, functional assays have not been performed for this variant nor has this variant been reported in individuals affected with familial hypercholesterolemia in the literature. This variant has been identified in 3/244644 chromosomes in the general population by the Genome Aggregation Database (gnomAD). Available evidence is insufficient to determine the pathogenicity of this variant conclusively.

Quest Diagnostics Nichols Institute San Juan Capistrano
Classification: Uncertain significance. Last evaluated: 2023-10-23. Review status: criteria provided, single submitter. Criteria: Quest Diagnostics criteria. Collection method: clinical testing. Allele origin: unknown.
Comment: The PCSK9 c.1927C>G (p.His643Asp) variant has not been reported in individuals with PCSK9-related conditions in the published literature. The frequency of this variant in the general population, 0.000027 (3/112446 chromosomes (Genome Aggregation Database)), is uninformative in the assessment of its pathogenicity. Analysis of this variant using bioinformatics tools for the prediction of the effect of amino acid changes on protein structure and function yielded predictions that this variant is benign. Based on the available information, we are unable to determine the clinical significance of this variant.

Literature cited by the submitters: PubMed 34707284 (cited by Quest Diagnostics Nichols Institute San Juan Capistrano).

NM_174936.4(PCSK9):c.1927C>G (p.His643Asp)

Gene: PCSK9 (proprotein convertase subtilisin/kexin type 9; plus strand). Cytogenetic location: 1p32.3.
Variant type: single nucleotide variant.
Coding change: c.1927C>G on transcript NM_174936.4 (MANE Select); coding-DNA position 1927, C replaced by G.
Protein change: p.His643Asp; replaces histidine 643 with aspartic acid.
Molecular consequence: missense variant.
Genome position (GRCh38, 1-based): chr1:55,063,432, C>G. VCF-style: chr1-55063432-C-G. GRCh37 (hg19) VCF-style: chr1-55529105-C-G.
Other names: c.2050C>G, p.His684Asp (NM_001407240.1); c.1969C>G, p.His657Asp (NM_001407241.1); c.1930C>G, p.His644Asp (NM_001407242.1); c.1870C>G, p.His624Asp (NM_001407243.1); c.1753C>G, p.His585Asp (NM_001407244.1); c.1735C>G, p.His579Asp (NM_001407245.1); c.1552C>G, p.His518Asp (NM_001407246.1); c.1426C>G, p.His476Asp (NM_001407247.1); short protein forms H643D, H476D, H579D, H644D, H624D, H657D, H585D, H684D.
Identifiers: ClinVar variation 924581 (VCV000924581.8), dbSNP rs759818065, ClinGen allele CA039695.
Genomic context (GRCh38, chr1:55,063,432, plus strand): 5'-ACCGTGGCCTGCGAGGAGGGCTGGACCCTGACTGGCTGCAGTGCCCTCCCTGGGACCTCC[C>G]ACGTCCTGGGGGCCTACGCCGTAGACAACACGTGTGTAGTCAGGAGCCGGGACGTCAGCA-3'
Protein context (NP_777596.2, residues 633-653): TGCSALPGTS[His643Asp]VLGAYAVDNT